The following is an entry in ClinVar:

NM_170707.4(LMNA):c.-11A>G

Gene: LMNA (lamin A/C; plus strand). Cytogenetic location: 1q22.
Variant type: single nucleotide variant.
Coding change: c.-11A>G on transcript NM_170707.4 (MANE Select); 11 bases upstream of the start codon, A replaced by G.
Molecular consequence: 5 prime UTR variant. On other transcripts: intron variant (2).
Genome position (GRCh38, 1-based): chr1:156,114,908, A>G. VCF-style: chr1-156114908-A-G. GRCh37 (hg19) VCF-style: chr1-156084699-A-G.
Other names: c.-11A>G (NM_001282625.2, NM_001282626.2, NM_001406983.1 and 6 more transcripts); c.-434A>G (NM_001406986.1); c.-412A>G (NM_001406990.1, NM_001406995.1, NM_001407002.1); c.-675A>G (NM_001406994.1, NM_001407000.1); c.-855A>G (NM_001406999.1); c.-518A>G (NM_001407001.1); c.-203+8085A>G (NM_001406993.1, NM_001407003.1).
Identifiers: ClinVar variation 3071027 (VCV003071027.2), dbSNP rs758887740, ClinGen allele CA049442.

ClinVar aggregate classification (germline): Conflicting classifications of pathogenicity. Review status: criteria provided, conflicting classifications (1 of 4 stars). 2 submissions from 2 submitters: Uncertain significance (1); Likely benign (1). Last evaluated 2025-09-22.

Conditions:
Primary dilated cardiomyopathy (DCM). Also called: Dilated Cardiomyopathy. Identifiers: Orphanet 217604, MedGen C0007193, MeSH D002311, MONDO:0005021, HP:0001644. Inheritance: Various modes of inheritance.
Cardiomyopathy (CMYO). Also called: Cardiomyopathies. Identifiers: Orphanet 167848, MedGen C0878544, MONDO:0004994, HP:0001638. Inheritance: Various modes of inheritance.

Allele frequency attached by ClinVar (database versions not stated): gnomAD 0.00001; ExAC 0.00031.
gnomAD v4.1: 14 of 1,535,836 alleles (0.00091%); highest among the groups gnomAD compares: South Asian, 0.017%; 1 homozygote.

Submissions (2):

Color Diagnostics, LLC DBA Color Health
Classification: Likely benign for Cardiomyopathy. Last evaluated: 2025-09-22. Review status: criteria provided, single submitter. Criteria: ACMG Guidelines, 2015. Collection method: clinical testing. Allele origin: germline.

All of Us Research Program, National Institutes of Health
Classification: Uncertain significance for Primary dilated cardiomyopathy. Last evaluated: 2023-05-16. Review status: criteria provided, single submitter. Criteria: ACMG Guidelines, 2015. Collection method: clinical testing. Allele origin: germline. Inheritance: Autosomal dominant inheritance. Observed: 1 variant allele, 1 heterozygote.
Comment: This variant is located in the 5' untranslated region of the LMNA gene. To our knowledge, functional studies have not been reported for this variant. This variant has not been reported in individuals affected with LMNA-related disorders in the literature. This variant has been identified in 6/142826 chromosomes in the general population by the Genome Aggregation Database (gnomAD). The available evidence is insufficient to determine the role of this variant in disease conclusively. Therefore, this variant is classified as a Variant of Uncertain Significance.

This study involves interpretation of variants in research participants for the purpose of population health screening. Participant phenotype was not available at the time of variant classification. Additional details can be found in publication PMID: 35346344, PMCID: PMC8962531